The following is an entry in ClinVar:

ClinVar aggregate classification (germline): Benign/Likely benign. Review status: criteria provided, multiple submitters, no conflicts (2 of 4 stars). 6 submissions from 6 submitters: Benign (1); Likely benign (4). 1 of the submissions does not count toward it. Last evaluated 2026-07-13.

Conditions:
SMARCA4-related disorder. Also called: SMARCA4-related condition.
Hereditary cancer-predisposing syndrome. Also called: Hereditary Cancer Syndrome; Hereditary neoplastic syndrome; Neoplastic Syndromes, Hereditary; Tumor predisposition. Identifiers: Orphanet 140162, MedGen C0027672, MeSH D009386, MONDO:0015356.
Rhabdoid tumor predisposition syndrome 2 (RTPS2). Identifiers: Orphanet 231108, Orphanet 69077, MedGen C2750074, MONDO:0013224, OMIM 613325.

Allele frequency attached by ClinVar (database versions not stated): gnomAD exomes 0.00003 and 0.00004; ExAC 0.00006; gnomAD 0.00005 and 0.00004; TOPMed 0.00007; 1000 Genomes Project 0.00020; 1000 Genomes Project 30x 0.00016.
gnomAD v4.1: 51 of 1,613,610 alleles (0.0032%); highest among the groups gnomAD compares: African/African-American, 0.012%; no homozygotes.

Submissions (6):

Myriad Genetics, Inc.
Classification: Benign for Rhabdoid tumor predisposition syndrome 2. Last evaluated: 2026-07-13. Review status: criteria provided, single submitter. Criteria: Myriad Autosomal Dominant, Autosomal Recessive and X-Linked Classification Criteria (2023). Collection method: clinical testing. Allele origin: unknown.
Comment: This variant is considered benign. This variant is a silent/synonymous amino acid change and it is not expected to impact splicing.

Labcorp Genetics (formerly Invitae), Labcorp
Classification: Likely benign for Rhabdoid tumor predisposition syndrome 2. Last evaluated: 2026-02-04. Review status: criteria provided, single submitter. Criteria: Invitae Variant Classification Sherloc (09022015). Collection method: clinical testing. Allele origin: germline.

Quest Diagnostics Nichols Institute San Juan Capistrano
Classification: Likely benign. Last evaluated: 2024-12-06. Review status: criteria provided, single submitter. Criteria: Quest Diagnostics criteria. Collection method: clinical testing. Allele origin: unknown.

Blueprint Genetics
Classification: Likely benign. Last evaluated: 2024-10-07. Review status: criteria provided, single submitter. Criteria: ACMG Guidelines, 2015. Collection method: clinical testing. Allele origin: germline.

Ambry Genetics
Classification: Likely benign for Hereditary cancer-predisposing syndrome. Last evaluated: 2015-07-27. Review status: criteria provided, single submitter. Criteria: Ambry Variant Classification Scheme 2023. Collection method: clinical testing. Allele origin: germline.

PreventionGenetics, part of Exact Sciences
Classification: Likely benign for SMARCA4-related condition. Last evaluated: 2022-03-18. Review status: no assertion criteria provided. Collection method: clinical testing. Allele origin: germline. Not counted in ClinVar's aggregate classification.
Comment: This variant is classified as likely benign based on ACMG/AMP sequence variant interpretation guidelines (Richards et al. 2015 PMID: 25741868, with internal and published modifications).

NM_003072.5(SMARCA4):c.2091C>T (p.Asp697=)

Gene: SMARCA4 (SWI/SNF related BAF chromatin remodeling complex subunit ATPase 4; plus strand). Cytogenetic location: 19p13.2.
Variant type: single nucleotide variant.
Coding change: c.2091C>T on transcript NM_003072.5 (MANE Select); coding-DNA position 2091, C replaced by T.
Protein change: p.Asp697=; no amino-acid change (aspartic acid 697 retained).
Molecular consequence: synonymous variant. On other transcripts: non-coding transcript variant (1).
Genome position (GRCh38, 1-based): chr19:11,007,991, C>T. VCF-style: chr19-11007991-C-T. GRCh37 (hg19) VCF-style: chr19-11118667-C-T.
Other names: c.2091C>T, p.Asp697= (NM_001128844.3, NM_001128845.2, NM_001128846.2 and 5 more transcripts).
Identifiers: ClinVar variation 415113 (VCV000415113.21), dbSNP rs528874054, ClinGen allele CA9204004.
Genomic context (GRCh38, chr19:11,007,991, plus strand): 5'-ACAGCCTCCCACCCTGCCCGTGGAGGAGAAGAAGAAGATTCCAGATCCAGACAGCGATGA[C>T]GTCTCTGAGGTGGACGCGCGGCACATCATTGAGTAAGGGGTCCCGACACAGGTTGTTCTG-3'
Protein context (NP_003063.2, residues 687-707): KKKIPDPDSD[Asp697=]VSEVDARHII